The following is an entry in ClinVar:

ClinVar aggregate classification (germline): Likely pathogenic. Review status: criteria provided, single submitter (1 of 4 stars). 2 submissions from 2 submitters: Likely pathogenic (1). 1 of the submissions does not count toward it. Last evaluated 2019-04-09.

Conditions:
Hereditary factor VIII deficiency disease (HEMA). Also called: AUTOSOMAL HEMOPHILIA A; Hemophilia A; HEMOPHILIA, CLASSIC; Hemophilia A, congenital; HEM A; Factor 8 deficiency, congenital. Identifiers: Orphanet 98878, MedGen C0019069, MONDO:0010602, OMIM 306700.

Allele frequency attached by ClinVar (database versions not stated): TOPMed 0.00010.

Submissions (2):

ARUP Laboratories, Molecular Genetics and Genomics, ARUP Laboratories
Classification: Likely pathogenic for Hereditary factor VIII deficiency disease. Last evaluated: 2019-04-09. Review status: criteria provided, single submitter. Criteria: ARUP Molecular Germline Variant Investigation Process. Collection method: clinical testing. Allele origin: germline.
Comment: The F8 c.1538-18G>A variant (also known as IVS 10-18 G>A), to our knowledge, has only been reported in individuals with mild/moderate hemophilia A who are of Italian decent (Bach 2015, Castaman 2009, Prejano 2015, Santacroce 2008a and 2008b). Santacroce et al. describe all patients in their study as sharing a common haplotype; however, Bach et al. reports a patient who does not share this same haplotype. mRNA analysis of the variant shows a lack of the first 36 nucleotides of exon 11 resulting in an in-frame deletion of the first 12 amino acids in exon 11 (Castaman 2010), presumably due to preferential usage of an internal acceptor site at this location. This variant is absent from general population databases (Exome Variant Server, Genome Aggregation Database), indicating it is not a common polymorphism. Based on available information, this variant is considered to be likely pathogenic. REFERENCES Bach JE et al. Identification of deep intronic variants in 15 haemophilia A patients by next generation sequencing of the whole factor VIII gene. Thromb Haemost. 2015 Oct;114(4):757-67. Castaman G et al. F8 mRNA studies in haemophilia A patients with different splice site mutations. Haemophilia. 2010 Sep 1;16(5):786-90. Castaman G et al. Molecular and phenotypic determinants of the response to desmopressin in adult patients with mild hemophilia A. J Thromb Haemost. 2009 Nov;7(11):1824-31. Prejano S et al. Prevalence of IVS10nt-18G/A in Calabrian patients with moderate/mild hemophilia A and relation with Factor VIII inhibitor antibodies. Blood Coagul Fibrinolysis. 2015 Oct;26(7):750-4. Santacroce R et al. Identification of 217 unreported mutations in the F8 gene in a group of 1,410 unselected Italian patients with hemophilia A. J Hum Genet. 2008a;53(3):275-84. Santacroce R et al. Screening of mutations of hemophilia A in 40 Italian patients: a novel G-to-A mutation in intron 10 of the F8 gene as a putative cause of mild hemophilia A in southern Italy. Blood Coagul Fibrinolysis. 2008b Apr;19(3):197-202.

ISTH-SSC Genomics in Thrombosis and Hemostasis, KU Leuven, Center for Molecular and Vascular Biology
Classification: Likely pathogenic for Hereditary factor VIII deficiency disease. Review status: no assertion criteria provided. Collection method: research. Allele origin: unknown. Affected: yes. Not counted in ClinVar's aggregate classification.
Comment: Submitted to GoldVariant by Dr Karyn Mégy from NIHR Bioresource - Cambridge University, UK

NM_000132.4(F8):c.1538-18G>A

Gene: F8 (coagulation factor VIII; minus strand). Cytogenetic location: Xq28.
Variant type: single nucleotide variant.
Coding change: c.1538-18G>A on transcript NM_000132.4 (MANE Select); 18 bases into the intron before coding-DNA position 1538, G replaced by A.
Molecular consequence: intron variant.
Genome position (GRCh38, 1-based): chrX:154,957,189, C>T on the plus strand (G>A on the coding strand, the complement: F8 is on the minus strand). VCF-style: chrX-154957189-C-T. GRCh37 (hg19) VCF-style: chrX-154185464-C-T.
Identifiers: ClinVar variation 811357 (VCV000811357.9), dbSNP rs1482306571, ClinGen allele CA873354114.
Genomic context (GRCh38, chrX:154,957,189, plus strand): 5'-ATTTCTCCTGGCAGAATTGGAAAATCCTTCAAATGTTTTACACCTACCCACAAGCAAAAC[C>T]ATAAATAGCTCAATTAGAGTACAACAAGCCACATATTGATAATCATGTTGTTGTTGCAAG-3'